The following is an entry in ClinVar:

ClinVar aggregate classification (germline): Benign. Review status: criteria provided, multiple submitters, no conflicts (2 of 4 stars). 4 submissions from 4 submitters: Benign (4). Last evaluated 2026-01-28.

Conditions:
Progressive familial intrahepatic cholestasis type 1. Also called: Severe ATP8B1 Deficiency (Progressive Familial Intrahepatic Cholestasis Type 1 [PFIC1]); BYLER DISEASE; Byler's disease. Identifiers: Orphanet 79306, MedGen C4551898, MONDO:0008892, OMIM 211600.

Allele frequency attached by ClinVar (database versions not stated): 1000 Genomes Project 0.00439; 1000 Genomes Project 30x 0.00468; ESP Exome Variant Server 0.00469; gnomAD 0.00529; TOPMed 0.00537.
gnomAD v4.1: 1,429 of 1,614,032 alleles (0.089%); highest among the groups gnomAD compares: African/African-American, 1.7%; 14 homozygotes.

Submissions (4):

Labcorp Genetics (formerly Invitae), Labcorp
Classification: Benign. Last evaluated: 2026-01-28. Review status: criteria provided, single submitter. Criteria: Invitae Variant Classification Sherloc (09022015). Collection method: clinical testing. Allele origin: germline.

GeneDx
Classification: Benign. Last evaluated: 2017-12-26. Review status: criteria provided, single submitter. Criteria: GeneDx Variant Classification (06012015). Collection method: clinical testing. Allele origin: germline. Affected: yes.
Comment: This variant is considered likely benign or benign based on one or more of the following criteria: it is a conservative change, it occurs at a poorly conserved position in the protein, it is predicted to be benign by multiple in silico algorithms, and/or has population frequency not consistent with disease.

Illumina Laboratory Services, Illumina
Classification: Benign for Progressive familial intrahepatic cholestasis type 1. Last evaluated: 2017-04-27. Review status: criteria provided, single submitter. Criteria: ICSL Variant Classification Criteria 13 December 2019. Collection method: clinical testing. Allele origin: germline.
Comment: This variant was observed as part of a predisposition screen in an ostensibly healthy population. A literature search was performed for the gene, cDNA change, and amino acid change (where applicable). No publications were found based on this search. Allele frequency data from public databases was too high to be consistent with this variant causing disease. Therefore, this variant is classified as benign.

Breakthrough Genomics
Classification: Benign. Review status: criteria provided, single submitter. Criteria: ACMG Guidelines, 2015. Collection method: not provided. Allele origin: germline. Inheritance: Autosomal recessive inheritance. Affected: yes.

NM_001374385.1(ATP8B1):c.2664G>T (p.Thr888=)

Genes: ATP8B1 (ATPase phospholipid transporting 8B1; minus strand), ATP8B1-AS1 (ATP8B1 antisense RNA 1; plus strand). Cytogenetic location: 18q21.31.
Variant type: single nucleotide variant.
Coding change: c.2664G>T on transcript NM_001374385.1 (MANE Select); coding-DNA position 2664, G replaced by T.
Protein change: p.Thr888=; no amino-acid change (threonine 888 retained).
Molecular consequence: synonymous variant.
Genome position (GRCh38, 1-based): chr18:57,661,217, C>A on the plus strand (G>T on the coding strand, the complement: ATP8B1 is on the minus strand). VCF-style: chr18-57661217-C-A. GRCh37 (hg19) VCF-style: chr18-55328449-C-A.
Other names: c.2514G>T, p.Thr838= (NM_001374386.1); c.2664G>T, p.Thr888= (NM_005603.6).
Identifiers: ClinVar variation 386032 (VCV000386032.13), dbSNP rs35757087, ClinGen allele CA8974206.